The following is an entry in ClinVar:

NM_001430.5(EPAS1):c.450A>C (p.Lys150Asn)

Gene: EPAS1 (endothelial PAS domain protein 1; plus strand). Cytogenetic location: 2p21.
Variant type: single nucleotide variant.
Coding change: c.450A>C on transcript NM_001430.5 (MANE Select); coding-DNA position 450, A replaced by C.
Protein change: p.Lys150Asn; replaces lysine 150 with asparagine.
Molecular consequence: missense variant.
Genome position (GRCh38, 1-based): chr2:46,356,804, A>C. VCF-style: chr2-46356804-A-C. GRCh37 (hg19) VCF-style: chr2-46583943-A-C.
Other names: short protein forms K150N.
Identifiers: ClinVar variation 3609861 (VCV003609861.2).

ClinVar aggregate classification (germline): Uncertain significance (1 of 4 stars; one submission).

gnomAD v4.1: 5 of 1,611,586 alleles (0.00031%); highest among the groups gnomAD compares: Non-Finnish European, 0.00042%; no homozygotes.

Submission:

Labcorp Genetics (formerly Invitae), Labcorp
Classification: Uncertain significance. Last evaluated: 2024-07-24. Review status: criteria provided, single submitter. Criteria: Invitae Variant Classification Sherloc (09022015). Collection method: clinical testing. Allele origin: germline.
Comment: This sequence change replaces lysine, which is basic and polar, with asparagine, which is neutral and polar, at codon 150 of the EPAS1 protein (p.Lys150Asn). This variant is present in population databases (rs780172672, gnomAD 0.002%). This variant has not been reported in the literature in individuals affected with EPAS1-related conditions. An algorithm developed to predict the effect of missense changes on protein structure and function (PolyPhen-2) suggests that this variant is likely to be disruptive. In summary, the available evidence is currently insufficient to determine the role of this variant in disease. Therefore, it has been classified as a Variant of Uncertain Significance.